The following is an entry in ClinVar:

ClinVar aggregate classification (germline): Likely pathogenic (1 of 4 stars; one submission).

Conditions:
Factor VIII deficiency. Identifiers: MedGen C3494187, OMIM 134500.

Submission:

North West Genomic Laboratory Hub, Manchester University NHS Foundation Trust
Classification: Likely pathogenic for Factor VIII deficiency. Last evaluated: 2024-11-07. Review status: criteria provided, single submitter. Criteria: ACGS Best Practice Guidelines for Variant Classification in Rare Disease 2024. Collection method: clinical testing. Allele origin: germline. Affected: yes.
Comment: PP4_Mod PM2_Mod PP3_Supp PS4_Mod

NM_000132.4(F8):c.5150A>G (p.Tyr1717Cys)

Gene: F8 (coagulation factor VIII; minus strand). Cytogenetic location: Xq28.
Variant type: single nucleotide variant.
Coding change: c.5150A>G on transcript NM_000132.4 (MANE Select); coding-DNA position 5150, A replaced by G.
Protein change: p.Tyr1717Cys; replaces tyrosine 1717 with cysteine.
Molecular consequence: missense variant.
Genome position (GRCh38, 1-based): chrX:154,928,640, T>C on the plus strand (A>G on the coding strand, the complement: F8 is on the minus strand). VCF-style: chrX-154928640-T-C. GRCh37 (hg19) VCF-style: chrX-154156915-T-C.
Other names: short protein forms Y1717C.
Identifiers: ClinVar variation 4884312 (VCV004884312.1).